The following is an entry in ClinVar:

NM_001349999.2(RBFOX2):c.1237G>T (p.Val413Leu)

Gene: RBFOX2 (RNA binding fox-1 homolog 2; minus strand). Cytogenetic location: 22q12.3.
Variant type: single nucleotide variant.
Coding change: c.1237G>T on transcript NM_001349999.2 (MANE Select); coding-DNA position 1237, G replaced by T.
Protein change: p.Val413Leu; replaces valine 413 with leucine.
Molecular consequence: missense variant. On other transcripts: synonymous variant (12).
Genome position (GRCh38, 1-based): chr22:35,745,985, C>A on the plus strand (G>T on the coding strand, the complement: RBFOX2 is on the minus strand). VCF-style: chr22-35745985-C-A. GRCh37 (hg19) VCF-style: chr22-36142032-C-A.
Other names: c.1036G>T, p.Val346Leu (NM_001031695.4); c.1024G>T, p.Val342Leu (NM_001082576.3); c.996G>T, p.Gly332= (NM_001082577.3); c.1249G>T, p.Val417Leu (NM_001082578.4); c.1246G>T, p.Val416Leu (NM_001082579.3); c.1122G>T, p.Gly374= (NM_001349982.2); c.1056G>T, p.Gly352= (NM_001349983.2); c.1102G>T, p.Val368Leu (NM_001349989.2); and 14 more; short protein forms V364L, V342L, V347L, V412L, V346L, V368L, V416L, V381L.
Identifiers: ClinVar variation 4840349 (VCV004840349.1).

ClinVar aggregate classification (germline): Uncertain significance (1 of 4 stars; one submission).

Conditions:
Inborn genetic diseases. Identifiers: MedGen C0950123, MeSH D030342.

gnomAD v4.1: 4 of 1,613,462 alleles (0.00025%); highest among the groups gnomAD compares: Admixed American, 0.0017%; no homozygotes.

Submission:

Ambry Genetics
Classification: Uncertain significance for Inborn genetic diseases. Last evaluated: 2026-02-24. Review status: criteria provided, single submitter. Criteria: Ambry Variant Classification Scheme 2023. Collection method: clinical testing. Allele origin: germline.
Comment: The c.1249G>T (p.V417L) alteration is located in exon 13 (coding exon 13) of the RBFOX2 gene. This alteration results from a G to T substitution at nucleotide position 1249, causing the valine (V) at amino acid position 417 to be replaced by a leucine (L). Based on data from gnomAD, the T allele has an overall frequency of <0.001% (1/251154) total alleles studied. The highest observed frequency was 0.003% (1/34536) of Latino alleles. Based on insufficient or conflicting evidence, the clinical significance of this alteration remains unclear.